The following is an entry in ClinVar:

ClinVar aggregate classification (germline): Uncertain significance. Review status: criteria provided, multiple submitters, no conflicts (2 of 4 stars). 2 submissions from 2 submitters: Uncertain significance (2). Last evaluated 2023-11-27.

Conditions:
Gorlin syndrome. Also called: Nevoid Basal Cell Carcinoma Syndrome; Basal cell nevus syndrome. Identifiers: Orphanet 377, MedGen C0004779, MONDO:0007187.

Allele frequency attached by ClinVar (database versions not stated): ExAC 0.00001; gnomAD exomes 0.00001; gnomAD 0.00004; TOPMed 0.00006; ESP Exome Variant Server 0.00008.
gnomAD v4.1: 14 of 1,613,672 alleles (0.00087%); highest among the groups gnomAD compares: Middle Eastern, 0.016%; no homozygotes.

Submissions (3):

Labcorp Genetics (formerly Invitae), Labcorp
Classification: Uncertain significance for Gorlin syndrome. Last evaluated: 2023-11-27. Review status: criteria provided, single submitter. Criteria: Invitae Variant Classification Sherloc (09022015). Collection method: clinical testing. Allele origin: germline.
Comment: This sequence change replaces glycine, which is neutral and non-polar, with arginine, which is basic and polar, at codon 1203 of the PTCH2 protein (p.Gly1203Arg). This variant is present in population databases (rs369587910, gnomAD 0.01%). This variant has not been reported in the literature in individuals affected with PTCH2-related conditions. ClinVar contains an entry for this variant (Variation ID: 1429942). Algorithms developed to predict the effect of missense changes on protein structure and function output the following: SIFT: "Not Available"; PolyPhen-2: "Benign"; Align-GVGD: "Not Available". The arginine amino acid residue is found in multiple mammalian species, which suggests that this missense change does not adversely affect protein function. In summary, the available evidence is currently insufficient to determine the role of this variant in disease. Therefore, it has been classified as a Variant of Uncertain Significance.

Breakthrough Genomics
Classification: Uncertain significance. Review status: criteria provided, single submitter. Criteria: ACMG Guidelines, 2015. Collection method: not provided. Allele origin: germline. Inheritance: Autosomal recessive inheritance. Affected: yes.

Dr. Peter K. Rogan Lab, Western University
No classification provided (evidence only). Condition: Ovarian serous cystadenocarcinoma. Review status: no classification provided. Collection method: in vitro. Allele origin: not applicable. Functional consequence: retained intron. Not counted in ClinVar's aggregate classification.

NM_003738.5(PTCH2):c.3607G>A (p.Gly1203Arg)

Gene: PTCH2 (patched 2; minus strand). Cytogenetic location: 1p34.1.
Variant type: single nucleotide variant.
Coding change: c.3607G>A on transcript NM_003738.5 (MANE Select); coding-DNA position 3607, G replaced by A.
Protein change: p.Gly1203Arg; replaces glycine 1203 with arginine.
Molecular consequence: missense variant. On other transcripts: intron variant (1).
Genome position (GRCh38, 1-based): chr1:44,822,420, C>T on the plus strand (G>A on the coding strand, the complement: PTCH2 is on the minus strand). VCF-style: chr1-44822420-C-T. GRCh37 (hg19) VCF-style: chr1-45288092-C-T.
Other names: c.3425+182G>A (NM_001166292.2); short protein forms G1203R.
Identifiers: ClinVar variation 1429942 (VCV001429942.10), dbSNP rs369587910, ClinGen allele CA822649.